The following is an entry in ClinVar:

NM_001943.5(DSG2):c.2932C>T (p.Pro978Ser)

Genes: DSG2 (desmoglein 2; plus strand), DSG2-AS1 (DSG2 antisense RNA 1; minus strand). Cytogenetic location: 18q12.1.
Variant type: single nucleotide variant.
Coding change: c.2932C>T on transcript NM_001943.5 (MANE Select); coding-DNA position 2932, C replaced by T.
Protein change: p.Pro978Ser; replaces proline 978 with serine.
Molecular consequence: missense variant.
Genome position (GRCh38, 1-based): chr18:31,546,318, C>T. VCF-style: chr18-31546318-C-T. GRCh37 (hg19) VCF-style: chr18-29126281-C-T.
Other names: short protein forms P978S.
Identifiers: ClinVar variation 3386608 (VCV003386608.1).
Genomic context (GRCh38, chr18:31,546,318, plus strand): 5'-CCACAGAGCCTTATTGTGACAGAGAGGGTGTATGCTCCAGCTTCTACCTTGGTAGATCAG[C>T]CTTATGCTAATGAAGGTACAGTTGTGGTCACTGAAAGAGTAATACAGCCTCATGGGGGTG-3'
Protein context (NP_001934.2, residues 968-988): YAPASTLVDQ[Pro978Ser]YANEGTVVVT

ClinVar aggregate classification (germline): Uncertain significance (1 of 4 stars; one submission).

Conditions:
Arrhythmogenic right ventricular cardiomyopathy (ARVD). Also called: Arrhythmogenic right ventricular dysplasia; Cardiomyopathy, ARVC; Arrhythmogenic cardiomyopathy; Arrhythmogenic Right Ventricular Cardiomyopathy (ARVC). Identifiers: Orphanet 247, MedGen C0349788, MeSH D019571, MONDO:0016587. Disease mechanism: loss of function. Inheritance: Various modes of inheritance.

gnomAD v4.1: 2 of 1,607,716 alleles (0.00012%); highest among the groups gnomAD compares: Non-Finnish European, 0.00017%; no homozygotes.

Submission:

All of Us Research Program, National Institutes of Health
Classification: Uncertain significance for Arrhythmogenic right ventricular cardiomyopathy. Last evaluated: 2024-07-29. Review status: criteria provided, single submitter. Criteria: ACMG Guidelines, 2015. Collection method: clinical testing. Allele origin: germline. Inheritance: Autosomal dominant inheritance. Observed: 1 variant allele, 1 heterozygote.
Comment: This missense variant replaces proline with serine at codon 978 of the DSG2 protein. Computational prediction suggests that this variant may not impact protein structure and function (internally defined REVEL score threshold <= 0.5, PMID: 27666373). To our knowledge, functional studies have not been reported for this variant. This variant has not been reported in individuals affected with DSG2-related disorders in the literature. This variant has not been identified in the general population by the Genome Aggregation Database (gnomAD). The available evidence is insufficient to determine the role of this variant in disease conclusively. Therefore, this variant is classified as a Variant of Uncertain Significance.

This study involves interpretation of variants in research participants for the purpose of population health screening. Participant phenotype was not available at the time of variant classification. Additional details can be found in publication PMID: 35346344, PMCID: PMC8962531